The following is an entry in ClinVar:

NM_198428.3(BBS9):c.1846C>A (p.Leu616Ile)

Gene: BBS9 (Bardet-Biedl syndrome 9; plus strand). Cytogenetic location: 7p14.3.
Variant type: single nucleotide variant.
Coding change: c.1846C>A on transcript NM_198428.3 (MANE Select); coding-DNA position 1846, C replaced by A.
Protein change: p.Leu616Ile; replaces leucine 616 with isoleucine.
Molecular consequence: missense variant. On other transcripts: non-coding transcript variant (3).
Genome position (GRCh38, 1-based): chr7:33,383,722, C>A. VCF-style: chr7-33383722-C-A. GRCh37 (hg19) VCF-style: chr7-33423334-C-A.
Other names: c.1741C>A, p.Leu581Ile (NM_001033604.2); c.1831C>A, p.Leu611Ile (NM_001033605.2); c.1846C>A, p.Leu616Ile (NM_001348036.1, NM_001348041.4, NM_001348043.3 and 1 more transcripts); c.1480C>A, p.Leu494Ile (NM_001348037.3, NM_001348045.3, NM_001348046.3); c.1573C>A, p.Leu525Ile (NM_001348038.3); c.1468C>A, p.Leu490Ile (NM_001348039.3); c.1726C>A, p.Leu576Ile (NM_001348040.3, NM_014451.4); c.1711C>A, p.Leu571Ile (NM_001348042.3); and 1 more; short protein forms L459I, L571I, L616I, L490I, L494I, L576I, L581I, L525I.
Identifiers: ClinVar variation 4978561 (VCV004978561.1).

ClinVar aggregate classification (germline): Uncertain significance (1 of 4 stars; one submission).

Conditions:
BBS9-related disorder. Also called: BBS9-related condition.

gnomAD v4.1: 38 of 1,611,694 alleles (0.0024%); highest among the groups gnomAD compares: Non-Finnish European, 0.0032%; no homozygotes.

Submission:

PreventionGenetics, part of Exact Sciences
Classification: Uncertain significance for BBS9-related condition. Last evaluated: 2025-03-27. Review status: criteria provided, single submitter. Criteria: ACMG Guidelines, 2015. Collection method: clinical testing. Allele origin: germline.
Comment: The BBS9 c.1846C>A variant is predicted to result in the amino acid substitution p.Leu616Ile. This variant has been identified as a single heterozygous variant in a cohort of children with obesity (Table S1, Roberts et al. 2022. PubMed ID: 35562395). This variant is reported in 0.00089% of alleles in individuals of European (Non-Finnish) descent in gnomAD. At this time, the clinical significance of this variant is uncertain due to the absence of conclusive functional and genetic evidence.